The following is an entry in ClinVar:

NM_000088.4(COL1A1):c.1929+17G>C

Gene: COL1A1 (collagen type I alpha 1 chain; minus strand). Cytogenetic location: 17q21.33.
Variant type: single nucleotide variant.
Coding change: c.1929+17G>C on transcript NM_000088.4 (MANE Select); 17 bases into the intron after coding-DNA position 1929, G replaced by C.
Molecular consequence: intron variant.
Genome position (GRCh38, 1-based): chr17:50,192,623, C>G on the plus strand (G>C on the coding strand, the complement: COL1A1 is on the minus strand). VCF-style: chr17-50192623-C-G. GRCh37 (hg19) VCF-style: chr17-48269984-C-G.
Identifiers: ClinVar variation 515198 (VCV000515198.6), dbSNP rs1291997527, ClinGen allele CA626485877.
Genomic context (GRCh38, chr17:50,192,623, plus strand): 5'-GGTTTAGAATCTGGAAGAGACCAAAGAGGTGTTTCCTACCCCTACCTCCCAGCATCCTGA[C>G]AGCCATGAGGCCTCACCTGGAATCCGGGGGAGCCAGCAGGGCCTTGTTCACCTCTCTCGC-3'

ClinVar aggregate classification (germline): Likely benign. Review status: criteria provided, multiple submitters, no conflicts (2 of 4 stars). 2 submissions from 2 submitters: Likely benign (2). Last evaluated 2025-07-24.

Conditions:
Osteogenesis imperfecta type I (OI1). Also called: OI, TYPE I; OSTEOGENESIS IMPERFECTA TARDA; OSTEOGENESIS IMPERFECTA WITH BLUE SCLERAE; Osteogenesis imperfecta type 1; Classic Non-deforming Osteogenesis Imperfecta with Blue Sclerae; Lobstein's Disease. Identifiers: Orphanet 216796, Orphanet 666, MedGen C0023931, MONDO:0008146, OMIM 166200. Disease mechanism: loss of function.

Allele frequency attached by ClinVar (database versions not stated): gnomAD 0.00001; gnomAD exomes 0.00001 and 0.00005; TOPMed 0.00002.
gnomAD v4.1: 73 of 1,614,094 alleles (0.0045%); highest among the groups gnomAD compares: Non-Finnish European, 0.0062%; no homozygotes.

Submissions (2):

Labcorp Genetics (formerly Invitae), Labcorp
Classification: Likely benign for Osteogenesis imperfecta type I. Last evaluated: 2025-07-24. Review status: criteria provided, single submitter. Criteria: Invitae Variant Classification Sherloc (09022015). Collection method: clinical testing. Allele origin: germline.

GeneDx
Classification: Likely benign. Last evaluated: 2018-01-29. Review status: criteria provided, single submitter. Criteria: GeneDx Variant Classification (06012015). Collection method: clinical testing. Allele origin: germline. Affected: yes.
Comment: This variant is considered likely benign or benign based on one or more of the following criteria: it is a conservative change, it occurs at a poorly conserved position in the protein, it is predicted to be benign by multiple in silico algorithms, and/or has population frequency not consistent with disease.